The following is an entry in ClinVar:

ClinVar aggregate classification (germline): Uncertain significance (1 of 4 stars; one submission).

gnomAD v4.1: 1 of 1,614,034 alleles (0.000062%); highest among the groups gnomAD compares: Non-Finnish European, 0.000085%; no homozygotes.

Submission:

CeGaT Center for Human Genetics Tuebingen
Classification: Uncertain significance. Last evaluated: 2023-09-01. Review status: criteria provided, single submitter. Criteria: CeGaT Center For Human Genetics Tuebingen Variant Classification Criteria Version 2. Collection method: clinical testing. Allele origin: germline. Affected: yes. Observed: 1 variant allele.
Comment: MBD5: PM2

NM_001378120.1(MBD5):c.2837C>A (p.Ala946Glu)

Gene: MBD5 (methyl-CpG binding domain protein 5; plus strand). Cytogenetic location: 2q23.1.
Variant type: single nucleotide variant.
Coding change: c.2837C>A on transcript NM_001378120.1 (MANE Select); coding-DNA position 2837, C replaced by A.
Protein change: p.Ala946Glu; replaces alanine 946 with glutamic acid.
Molecular consequence: missense variant.
Genome position (GRCh38, 1-based): chr2:148,483,428, C>A. VCF-style: chr2-148483428-C-A. GRCh37 (hg19) VCF-style: chr2-149240997-C-A.
Other names: c.2837C>A, p.Ala946Glu (NM_018328.5); short protein forms A946E.
Identifiers: ClinVar variation 2651412 (VCV002651412.24), dbSNP rs1316557900, ClinGen allele CA348722801.